The following is an entry in ClinVar:

ClinVar aggregate classification (germline): Benign/Likely benign. Review status: criteria provided, multiple submitters, no conflicts (2 of 4 stars). 10 submissions from 10 submitters: Benign (4); Likely benign (3). 3 of the submissions do not count toward it. Last evaluated 2025-05-02.

Conditions:
Polycystic kidney disease, adult type (PKD1). Also called: POLYCYSTIC KIDNEY DISEASE, ADULT, TYPE I; Polycystic Kidney Disease 1, Autosomal Dominant; Polycystic kidney disease 1; Polycystic kidney disease 1, severe; POLYCYSTIC KIDNEY DISEASE 1 WITH OR WITHOUT POLYCYSTIC LIVER DISEASE; Polycystic Kidney, Autosomal Dominant. Identifiers: MedGen C3149841, MONDO:0008263, OMIM 173900.
Polycystic kidney disease. Also called: Kidney, Polycystic; Polycystic kidney dysplasia. Identifiers: MedGen C0022680, MeSH D007690, MONDO:0020642, HP:0000113.

Allele frequency attached by ClinVar (database versions not stated): gnomAD exomes 0.00318 and 0.00784; ExAC 0.02067; gnomAD 0.03132; ESP Exome Variant Server 0.03344; TOPMed 0.03640; 1000 Genomes Project 0.04073; 1000 Genomes Project 30x 0.04247.
gnomAD v4.1: 9,556 of 1,530,406 alleles (0.62%); highest among the groups gnomAD compares: African/African-American, 11%; 550 homozygotes.

Submissions (10):

Women's Health and Genetics/Laboratory Corporation of America, LabCorp
Classification: Likely benign. Last evaluated: 2025-05-02. Review status: criteria provided, single submitter. Criteria: LabCorp Variant Classification Summary - May 2015. Collection method: clinical testing. Allele origin: germline.

Mayo Clinic Laboratories, Mayo Clinic
Classification: Benign. Last evaluated: 2022-11-18. Review status: criteria provided, single submitter. Criteria: ACMG Guidelines, 2015. Collection method: clinical testing. Allele origin: germline. Observed: 35 variant alleles.

ARUP Laboratories, Molecular Genetics and Genomics, ARUP Laboratories
Classification: Benign for Polycystic kidney disease, adult type. Last evaluated: 2020-06-02. Review status: criteria provided, single submitter. Criteria: ARUP Molecular Germline Variant Investigation Process. Collection method: clinical testing. Allele origin: germline.

GeneDx
Classification: Benign. Last evaluated: 2019-09-26. Review status: criteria provided, single submitter. Criteria: GeneDx Variant Classification Process June 2021. Collection method: clinical testing. Allele origin: germline. Affected: yes.
Comment: This variant is associated with the following publications: (PMID: 22383692, 22008521, 17574468, 11967008)

Athena Diagnostics
Classification: Benign for Polycystic kidney disease, adult type. Last evaluated: 2017-05-23. Review status: criteria provided, single submitter. Criteria: Athena Diagnostics Criteria. Collection method: clinical testing. Allele origin: germline.

Breakthrough Genomics
Classification: Likely benign. Review status: criteria provided, single submitter. Criteria: ACMG Guidelines, 2015. Collection method: not provided. Allele origin: germline. Inheritance: Autosomal dominant inheritance. Affected: yes.

PreventionGenetics, part of Exact Sciences
Classification: Likely benign. Review status: criteria provided, single submitter. Criteria: ACMG Guidelines, 2015. Collection method: clinical testing. Allele origin: germline.

Department of Pathology and Laboratory Medicine, Sinai Health System
Classification: Benign for Polycystic Kidney disease. Review status: no assertion criteria provided. Collection method: clinical testing. Allele origin: unknown. Affected: yes. Study: The Canadian Open Genetics Repository (COGR). Not counted in ClinVar's aggregate classification.
Comment: The PKD1 p.Pro572Ser variant was identified in 7 of 788 proband chromosomes (frequency: 0.009) from French, Spanish and North American individuals or families with ADPKD, occurring in the homozygous state in some probands (Bataille 2011, Rossetti 2002, Garcia-Gonzalez 2007, Rossetti 2012). The variant was also identified in dbSNP (ID: rs149022148) as â€šÃ„ÃºNAâ€šÃ„Ã¹, ADPKD Mutation Database (classification Likely Neutral), and COSMIC (in an adenocarcinoma- large intestine), and not in the Clinvitae, ClinVar, GeneInsight COGR, MutDB, PKD1-LOVD, and PKD1-LOVD 3.0 databases. The variant was identified in the 1000 Genomes Project in 204 of 5012 chromosomes (frequency: 0.0407), HAP-MAP populations: -AFR in 194 of 1322 chromosomes (frequency: 0.1467) and AMR in 10 of 694 chromosomes (frequency: 0.0144), NHLBI GO Exome Sequencing Project in 4 of 8440 (frequency: 0.0005) European American alleles and in 422 of 4300 African American alleles (frequency: 0.0981), and in the Exome Aggregation Consortium database (March 14 2016) in 382 of 18478 chromosomes (frequency 0.02) in the following populations: African in 360 (13 homozygous) of 1826 chromosomes (frequency: 0.1972), Latino in 16 of 680 chromosomes (frequency: 0.02353), Other in 1 of 174 chromosomes (frequency: 0006), European (Non-Finnish) in 4 of 6948 chromosomes (frequency: 0.0006), and South Asian in 1 of 8022 chromosomes (frequency: 0.0001), but was not seen in East Asian and Finnish populations, increasing the likelihood this could be a low frequency benign variant. The p.Pro572 residue is not conserved in mammals and computational analyses (PolyPhen-2, SIFT, AlignGVGD, BLOSUM, MutationTaster) do not suggest a high likelihood of impact to the protein; however, this information is not predictive enough to rule out pathogenicity. The variant occurs outside of the splicing consensus sequence and 1 of 5 in silico or computational prediction software programs (SpliceSiteFinder, MaxEntScan, NNSPLICE, GeneSplicer, HumanSpliceFinder) predict a greater than 10% difference in splicing; this is not very predictive of pathogenicity. In summary, based on the above information, this variant meets our laboratory criteria to be classified as benign.

Joint Genome Diagnostic Labs from Nijmegen and Maastricht, Radboudumc and MUMC+
Classification: Benign. Review status: no assertion criteria provided. Collection method: clinical testing. Allele origin: germline. Affected: yes. Study: VKGL Data-share Consensus. Not counted in ClinVar's aggregate classification.

Laboratory of Diagnostic Genome Analysis, Leiden University Medical Center (LUMC)
Classification: Benign. Review status: no assertion criteria provided. Collection method: clinical testing. Allele origin: germline. Affected: yes. Study: VKGL Data-share Consensus. Not counted in ClinVar's aggregate classification.

Literature cited by the submitters: PubMed 22008521 (cited by Athena Diagnostics).

NM_001009944.3(PKD1):c.1714C>T (p.Pro572Ser)

Gene: PKD1 (polycystin 1, transient receptor potential channel interacting; minus strand). Cytogenetic location: 16p13.3.
Variant type: single nucleotide variant.
Coding change: c.1714C>T on transcript NM_001009944.3 (MANE Select); coding-DNA position 1714, C replaced by T.
Protein change: p.Pro572Ser; replaces proline 572 with serine.
Molecular consequence: missense variant.
Genome position (GRCh38, 1-based): chr16:2,116,537, G>A on the plus strand (C>T on the coding strand, the complement: PKD1 is on the minus strand). VCF-style: chr16-2116537-G-A. GRCh37 (hg19) VCF-style: chr16-2166538-G-A.
Other names: c.1714C>T, p.Pro572Ser (NM_000296.4); short protein forms P572S.
Identifiers: ClinVar variation 256927 (VCV000256927.19), dbSNP rs149022148, ClinGen allele CA7833441.